The following is an entry in ClinVar:

NM_001943.5(DSG2):c.-13_-8dup

Genes: DSG2 (desmoglein 2; plus strand), LOC130062340 (ATAC-STARR-seq lymphoblastoid silent region 9384; plus strand). Cytogenetic location: 18q12.1.
Variant type: Duplication.
Coding change: c.-13_-8dup on transcript NM_001943.5 (MANE Select); 13 bases upstream of the start codon through 8 bases upstream of the start codon, 6 bases duplicated (AGGCGA; older notation c.-13_-8dupAGGCGA).
Molecular consequence: 5 prime UTR variant.
Genome position (GRCh38, 1-based): chr18:31,498,239-31,498,244, AGGCGA duplicated. VCF-style (leftmost placement, unchanged base first): chr18-31498238-G-GAGGCGA. GRCh37 (hg19) VCF-style: chr18-29078201-G-GAGGCGA.
Identifiers: ClinVar variation 3386563 (VCV003386563.1).

ClinVar aggregate classification (germline): Uncertain significance (1 of 4 stars; one submission).

Conditions:
Arrhythmogenic right ventricular cardiomyopathy (ARVD). Also called: Arrhythmogenic right ventricular dysplasia; Cardiomyopathy, ARVC; Arrhythmogenic cardiomyopathy; Arrhythmogenic Right Ventricular Cardiomyopathy (ARVC). Identifiers: Orphanet 247, MedGen C0349788, MeSH D019571, MONDO:0016587. Disease mechanism: loss of function. Inheritance: Various modes of inheritance.

Submission:

All of Us Research Program, National Institutes of Health
Classification: Uncertain significance for Arrhythmogenic right ventricular cardiomyopathy. Last evaluated: 2024-08-13. Review status: criteria provided, single submitter. Criteria: ACMG Guidelines, 2015. Collection method: clinical testing. Allele origin: germline. Inheritance: Autosomal dominant inheritance. Observed: 1 variant allele, 1 heterozygote.
Comment: This variant is located in the 5' untranslated region of the DSG2 gene. To our knowledge, functional studies have not been reported for this variant. This variant has not been reported in individuals affected with DSG2-related disorders in the literature. This variant has not been identified in the general population by the Genome Aggregation Database (gnomAD). The available evidence is insufficient to determine the role of this variant in disease conclusively. Therefore, this variant is classified as a Variant of Uncertain Significance.

This study involves interpretation of variants in research participants for the purpose of population health screening. Participant phenotype was not available at the time of variant classification. Additional details can be found in publication PMID: 35346344, PMCID: PMC8962531